The following is an entry in ClinVar:

NM_001004334.4(GPR179):c.3253C>T (p.Arg1085Cys)

Gene: GPR179 (G protein-coupled receptor 179; minus strand). Cytogenetic location: 17q12.
Variant type: single nucleotide variant.
Coding change: c.3253C>T on transcript NM_001004334.4 (MANE Select); coding-DNA position 3253, C replaced by T.
Protein change: p.Arg1085Cys; replaces arginine 1085 with cysteine.
Molecular consequence: missense variant.
Genome position (GRCh38, 1-based): chr17:38,330,316, G>A on the plus strand (C>T on the coding strand, the complement: GPR179 is on the minus strand). VCF-style: chr17-38330316-G-A. GRCh37 (hg19) VCF-style: chr17-36486199-G-A.
Other names: c.3253C>T (NM_001004334.2); short protein forms R1085C.
Identifiers: ClinVar variation 1491821 (VCV001491821.5), dbSNP rs369300497, ClinGen allele CA290105283.

ClinVar aggregate classification (germline): Uncertain significance. Review status: criteria provided, multiple submitters, no conflicts (2 of 4 stars). 3 submissions from 3 submitters: Uncertain significance (3). Last evaluated 2024-07-05.

Conditions:
Inborn genetic diseases. Identifiers: MedGen C0950123, MeSH D030342.

Allele frequency attached by ClinVar (database versions not stated): gnomAD exomes 0.00002; ExAC 0.00003; gnomAD 0.00004 and 0.00006; TOPMed 0.00005; ESP Exome Variant Server 0.00008; 1000 Genomes Project 30x 0.00031; 1000 Genomes Project 0.00040.
gnomAD v4.1: 228 of 1,613,518 alleles (0.014%); highest among the groups gnomAD compares: Non-Finnish European, 0.018%; no homozygotes.

Submissions (3):

Ambry Genetics
Classification: Uncertain significance for Inborn genetic diseases. Last evaluated: 2024-07-05. Review status: criteria provided, single submitter. Criteria: Ambry Variant Classification Scheme 2023. Collection method: clinical testing. Allele origin: germline.

Labcorp Genetics (formerly Invitae), Labcorp
Classification: Uncertain significance. Last evaluated: 2022-06-13. Review status: criteria provided, single submitter. Criteria: Invitae Variant Classification Sherloc (09022015). Collection method: clinical testing. Allele origin: germline.
Comment: This sequence change replaces arginine, which is basic and polar, with cysteine, which is neutral and slightly polar, at codon 1085 of the GPR179 protein (p.Arg1085Cys). This variant is present in population databases (rs369300497, gnomAD 0.004%). This variant has not been reported in the literature in individuals affected with GPR179-related conditions. Algorithms developed to predict the effect of missense changes on protein structure and function output the following: SIFT: "Deleterious"; PolyPhen-2: "Possibly Damaging"; Align-GVGD: "Class C0". The cysteine amino acid residue is found in multiple mammalian species, which suggests that this missense change does not adversely affect protein function. In summary, the available evidence is currently insufficient to determine the role of this variant in disease. Therefore, it has been classified as a Variant of Uncertain Significance.

Blueprint Genetics
Classification: Uncertain significance. Last evaluated: 2021-11-17. Review status: criteria provided, single submitter. Criteria: ACMG Guidelines, 2015. Collection method: clinical testing. Allele origin: germline.